The following is an entry in ClinVar:

ClinVar aggregate classification (germline): Uncertain significance (1 of 4 stars; one submission).

Submission:

Labcorp Genetics (formerly Invitae), Labcorp
Classification: Uncertain significance. Last evaluated: 2021-08-28. Review status: criteria provided, single submitter. Criteria: Invitae Variant Classification Sherloc (09022015). Collection method: clinical testing. Allele origin: germline.
Comment: This variant, c.7227_7235dup, results in the insertion of 3 amino acid(s) to the PCLO protein (p.Pro2424_Pro2426dup), but otherwise preserves the integrity of the reading frame. The frequency data for this variant in the population databases is considered unreliable, as metrics indicate insufficient coverage at this position in the ExAC database. This variant has not been reported in the literature in individuals affected with PCLO-related conditions. Experimental studies and prediction algorithms are not available or were not evaluated, and the functional significance of this variant is currently unknown. In summary, the available evidence is currently insufficient to determine the role of this variant in disease. Therefore, it has been classified as a Variant of Uncertain Significance.

NM_033026.6(PCLO):c.7218TCCCCCTCC[3] (p.Pro2424_Pro2426dup)

Gene: PCLO (piccolo presynaptic cytomatrix protein; minus strand). Cytogenetic location: 7q21.11.
Variant type: Microsatellite.
Coding change: c.7218TCCCCCTCC[3] on transcript NM_033026.6 (MANE Select); three copies in a row of the 9-base unit TCCCCCTCC starting at c.7218; the reference has two copies in a row; one copy, 9 bases duplicated.
Protein change: p.Pro2424_Pro2426dup.
Molecular consequence: inframe insertion.
Genome position (GRCh38, 1-based): chr7:82,953,718-82,953,726, GGAGGGGGA duplicated on the plus strand (TCCCCCTCC on the coding strand, the reverse complement: PCLO is on the minus strand); duplicating any 9 consecutive bases within chr7:82,953,718-82,953,740 gives the same sequence; the position shown is the placement nearest the transcript's 3' end. VCF-style (leftmost placement, unchanged base first): chr7-82953717-G-GGGAGGGGGA. GRCh37 (hg19) VCF-style: chr7-82583033-G-GGGAGGGGGA.
Other names: c.7218TCCCCCTCC[3], p.Pro2424_Pro2426dup (NM_014510.3).
Identifiers: ClinVar variation 1402029 (VCV001402029.5), dbSNP rs1562880159, ClinGen allele CA576266801.